The following is an entry in ClinVar:

NM_000018.4(ACADVL):c.*8C>T

Gene: ACADVL (acyl-CoA dehydrogenase very long chain; plus strand). Cytogenetic location: 17p13.1.
Variant type: single nucleotide variant.
Coding change: c.*8C>T on transcript NM_000018.4 (MANE Select); 8 bases downstream of the stop codon, C replaced by T.
Molecular consequence: 3 prime UTR variant.
Genome position (GRCh38, 1-based): chr17:7,225,105, C>T. VCF-style: chr17-7225105-C-T. GRCh37 (hg19) VCF-style: chr17-7128424-C-T.
Other names: c.*8C>T (NM_001033859.3, NM_001270447.2, NM_001270448.2).
Identifiers: ClinVar variation 932841 (VCV000932841.14), dbSNP rs370513576, ClinGen allele CA8338319.

ClinVar aggregate classification (germline): Conflicting classifications of pathogenicity. Review status: criteria provided, conflicting classifications (1 of 4 stars). 6 submissions from 6 submitters: Uncertain significance (1); Likely benign (3). 2 of the submissions do not count toward it. Last evaluated 2025-11-06.

Conditions:
ACADVL-related disorder. Also called: ACADVL-related condition.
Very long chain acyl-CoA dehydrogenase deficiency (ACADVLD). Also called: Very Long-Chain Acyl-Coenzyme A Dehydrogenase Deficiency; VLCAD Deficiency. Identifiers: Orphanet 26793, MedGen C3887523, MONDO:0008723, OMIM 201475.

Allele frequency attached by ClinVar (database versions not stated): gnomAD 0.00011 and 0.00023; ESP Exome Variant Server 0.00015; TOPMed 0.00015; gnomAD exomes 0.00036 and 0.00045; ExAC 0.00045; 1000 Genomes Project 30x 0.00094; 1000 Genomes Project 0.00100.
gnomAD v4.1: 556 of 1,614,056 alleles (0.034%); highest among the groups gnomAD compares: South Asian, 0.29%; 4 homozygotes.

Submissions (6):

Mayo Clinic Laboratories, Mayo Clinic
Classification: Likely benign. Last evaluated: 2025-11-06. Review status: criteria provided, single submitter. Criteria: ACMG Guidelines, 2015. Collection method: clinical testing. Allele origin: germline. Observed: 1 variant allele.
Comment: BP4, BP7

Blueprint Genetics
Classification: Likely benign. Last evaluated: 2024-10-22. Review status: criteria provided, single submitter. Criteria: ACMG Guidelines, 2015. Collection method: clinical testing. Allele origin: germline.

GeneDx
Classification: Likely benign. Last evaluated: 2021-06-23. Review status: criteria provided, single submitter. Criteria: GeneDx Variant Classification Process June 2021. Collection method: clinical testing. Allele origin: germline. Affected: yes.

Wong Mito Lab, Molecular and Human Genetics, Baylor College of Medicine
Classification: Uncertain significance for Very long chain acyl-CoA dehydrogenase deficiency. Last evaluated: 2019-11-01. Review status: criteria provided, single submitter. Criteria: ACMG Guidelines, 2015. Collection method: clinical testing. Allele origin: germline.
Comment: The NM_000018.3:c.*8C>T (NP_000009.1:p.?) [GRCH38: NC_000017.11:g.7225105C>T] variant in ACADVL gene is interpretated to be Uncertain Significance based on ACMG guidelines (PMID: 25741868). This variant has been reported. This variant dose not meet any evidence codes reported in the ACMG guidelines.

Natera, Inc.
Classification: Likely benign for Very long chain acyl-CoA dehydrogenase deficiency. Last evaluated: 2021-07-06. Review status: no assertion criteria provided. Collection method: clinical testing. Allele origin: germline. Not counted in ClinVar's aggregate classification.

PreventionGenetics, part of Exact Sciences
Classification: Likely benign for ACADVL-related condition. Last evaluated: 2020-10-20. Review status: no assertion criteria provided. Collection method: clinical testing. Allele origin: germline. Not counted in ClinVar's aggregate classification.
Comment: This variant is classified as likely benign based on ACMG/AMP sequence variant interpretation guidelines (Richards et al. 2015 PMID: 25741868, with internal and published modifications).